The following is an entry in ClinVar:

ClinVar aggregate classification (germline): Uncertain significance (1 of 4 stars; one submission).

Conditions:
Familial meningioma. Also called: Meningioma, familial, susceptibility to. Identifiers: Orphanet 263662, MedGen C3551915, MONDO:0011789, OMIM 607174.

Submission:

Labcorp Genetics (formerly Invitae), Labcorp
Classification: Uncertain significance for Familial meningioma. Last evaluated: 2024-07-30. Review status: criteria provided, single submitter. Criteria: Invitae Variant Classification Sherloc (09022015). Collection method: clinical testing. Allele origin: germline.
Comment: This sequence change replaces methionine, which is neutral and non-polar, with isoleucine, which is neutral and non-polar, at codon 377 of the SMARCE1 protein (p.Met377Ile). This variant is not present in population databases (gnomAD no frequency). This variant has not been reported in the literature in individuals affected with SMARCE1-related conditions. Advanced modeling of protein sequence and biophysical properties (such as structural, functional, and spatial information, amino acid conservation, physicochemical variation, residue mobility, and thermodynamic stability) performed at Invitae indicates that this missense variant is not expected to disrupt SMARCE1 protein function with a negative predictive value of 80%. In summary, the available evidence is currently insufficient to determine the role of this variant in disease. Therefore, it has been classified as a Variant of Uncertain Significance.

NM_003079.5(SMARCE1):c.1131G>C (p.Met377Ile)

Gene: SMARCE1 (SWI/SNF related BAF chromatin remodeling complex subunit E1; minus strand). Cytogenetic location: 17q21.2.
Variant type: single nucleotide variant.
Coding change: c.1131G>C on transcript NM_003079.5 (MANE Select); coding-DNA position 1131, G replaced by C.
Protein change: p.Met377Ile; replaces methionine 377 with isoleucine.
Molecular consequence: missense variant.
Genome position (GRCh38, 1-based): chr17:40,628,890, C>G on the plus strand (G>C on the coding strand, the complement: SMARCE1 is on the minus strand). VCF-style: chr17-40628890-C-G. GRCh37 (hg19) VCF-style: chr17-38785142-C-G.
Other names: short protein forms M377I.
Identifiers: ClinVar variation 3660821 (VCV003660821.2).